The following is an entry in ClinVar:

NM_015665.6(AAAS):c.1144_1147del (p.Ser382fs)

Gene: AAAS (aladin WD repeat nucleoporin; minus strand). Cytogenetic location: 12q13.13.
Variant type: Microsatellite.
Coding change: c.1144_1147del on transcript NM_015665.6 (MANE Select); coding-DNA positions 1144 to 1147, 4 bases deleted (TCTG; older notation c.1144_1147delTCTG).
Protein change: p.Ser382fs; shifts the reading frame from serine 382.
Molecular consequence: frameshift variant.
Genome position (GRCh38, 1-based): chr12:53,308,469-53,308,472, CAGA deleted on the plus strand (TCTG on the coding strand, the reverse complement: AAAS is on the minus strand); deleting any 4 consecutive bases within chr12:53,308,469-53,308,476 gives the same sequence; the c. name uses the placement nearest the transcript's 3' end. VCF-style (leftmost placement, unchanged base first): chr12-53308468-TCAGA-T. GRCh37 (hg19) VCF-style: chr12-53702252-TCAGA-T.
Other names: c.1144_1147delTCTG (NM_015665.5); c.1045_1048del, p.Ser349fs (NM_001173466.2); short protein forms S349fs, S382fs.
Identifiers: ClinVar variation 264993 (VCV000264993.22), dbSNP rs770214071, ClinGen allele CA6598962.

ClinVar aggregate classification (germline): Pathogenic/Likely pathogenic. Review status: criteria provided, multiple submitters, no conflicts (2 of 4 stars). 6 submissions from 6 submitters: Pathogenic (4); Likely pathogenic (2). Last evaluated 2026-09-25.

Conditions:
Fetal anomalies with a likely genetic cause.
Glucocorticoid deficiency with achalasia (AAAS). Also called: Triple-A syndrome; Achalasia-addisonianism-alacrimia syndrome; ALACRIMA-ACHALASIA-ADRENAL INSUFFICIENCY NEUROLOGIC DISORDER; Achalasia-Addisonianism-Alacrima (Triple-A) Syndrome; Alacrima-achalasia-addisonianism; ACTH-resistant adrenal insufficiency, achalasia and alacrima. Identifiers: Orphanet 869, MedGen C0271742, MONDO:0009279, OMIM 231550.

Submissions (6):

Genetics Laboratory, Great Ormond Street Hospital NHS Foundation Trust, North Thames Genomic Laboratory Hub
Classification: Likely pathogenic for Fetal anomalies with a likely genetic cause. Last evaluated: 2026-09-25. Review status: criteria provided, single submitter. Criteria: ACGS Best Practice Guidelines for Variant Classification in Rare Disease 2024 v1.2. Collection method: clinical testing. Allele origin: germline. Affected: yes.
Comment: PS4_supporting, PVS1_very-strong

Labcorp Genetics (formerly Invitae), Labcorp
Classification: Pathogenic. Last evaluated: 2025-11-02. Review status: criteria provided, single submitter. Criteria: Invitae Variant Classification Sherloc (09022015). Collection method: clinical testing. Allele origin: germline.
Comment: This sequence change creates a premature translational stop signal (p.Ser382Argfs*33) in the AAAS gene. It is expected to result in an absent or disrupted protein product. Loss-of-function variants in AAAS are known to be pathogenic (PMID: 11159947). This variant is present in population databases (rs770214071, gnomAD 0.005%). This premature translational stop signal has been observed in individual(s) with triple-A syndrome (PMID: 12429595, 30069287). This variant is also known as 1226-1229delTCTG. For these reasons, this variant has been classified as Pathogenic.

Fulgent Genetics
Classification: Pathogenic for Glucocorticoid deficiency with achalasia. Last evaluated: 2024-04-28. Review status: criteria provided, single submitter. Criteria: ACMG Guidelines, 2015. Collection method: clinical testing. Allele origin: germline.

GeneDx
Classification: Pathogenic. Last evaluated: 2022-03-10. Review status: criteria provided, single submitter. Criteria: GeneDx Variant Classification Process June 2021. Collection method: clinical testing. Allele origin: germline. Affected: yes.
Comment: Frameshift variant predicted to result in protein truncation or nonsense mediated decay in a gene for which loss-of-function is a known mechanism of disease; This variant is associated with the following publications: (PMID: 21865313, 12429595, 30069287, 31589614, 34258490)

Laboratory for Molecular Medicine, Mass General Brigham Personalized Medicine
Classification: Pathogenic for Glucocorticoid deficiency with achalasia. Last evaluated: 2018-07-18. Review status: criteria provided, single submitter. Criteria: LMM Criteria. Collection method: clinical testing. Allele origin: germline. Inheritance: Autosomal recessive inheritance. Observed: 1 variant allele.
Comment: The p.Ser382fs variant in AAAS has been reported in 1 homozygous and 1 compound heterozygous individual with Triple-A syndrome (Houlden 2002, Wallace 2012) and has been reported in ClinVar (Variation ID: 264993). This variant has been ident ified in 6/126906 European chromosomes, including 1 homozygote, by the Genome Ag gregation Database (gnomAD; dbSNP rs770214071) . Although this variant has been seen in the general population, its frequency i s low enough to be consistent with a recessive carrier frequency, though the pre sence of a homozygous individual in the general population suggests the expressi vity of the condition may be variable. This variant is predicted to cause a fram eshift, which alters the protein?s amino acid sequence beginning at position 382 and leads to a premature termination codon 33 amino acids downstream. This alte ration is then predicted to lead to a truncated or absent protein. Loss of func tion of the AAAS gene is an established disease mechanism in autosomal recessive Triple-A syndrome. In summary, this variant meets criteria to be classified as pathogenic for Triple-A syndrome in an autosomal recessive manner. ACMG/AMP crit eria applied: PVS1, PM3, PM2_Supporting

Illumina Laboratory Services, Illumina
Classification: Likely pathogenic for Glucocorticoid deficiency with achalasia. Last evaluated: 2017-04-28. Review status: criteria provided, single submitter. Criteria: ICSL Variant Classification Criteria 09 May 2019. Collection method: clinical testing. Allele origin: germline.
Comment: The AAAS c.1144_1147delTCTG (p.Ser382ArgfsTer33) variant results in a frameshift and is predicted to result in premature termination of the protein. The p.Ser382ArgfsTer33 variant has been reported in at least two studies in which it is found in a total of two patients with achalasia-addisonianism-alacrima syndrome, including in one who was homozygous for the variant and in one who carried the variant in a compound heterozygous state with a stop-gained variant (Houlden et al. 2002; Wallace et al. 2012). The p.Ser382ArgfsTer33 variant was also identified in a heterozygous state in the unaffected parents and grandparents of the compound heterozygote. The p.Ser382ArgfsTer33variant was absent from 75 controls and is reported at a frequency of 0.00036 in the European American population of the Exome Sequencing Project. Based on the evidence from the literature and the potential impact of frameshift variants, the p.Ser382ArgfsTer33 variant is classified as a variant of uncertain significance but suspicious for pathogenicity for achalasia-addisonianism-alacrima syndrome. This variant was observed by ICSL as part of a predisposition screen in an ostensibly healthy population.

Literature cited by the submitters: PubMed 11159947 (cited by Labcorp Genetics (formerly Invitae), Labcorp); PubMed 12429595 (cited by 3 submitters); PubMed 30069287 (cited by Labcorp Genetics (formerly Invitae), Labcorp); PubMed 21865313 (cited by Laboratory for Molecular Medicine, Mass General Brigham Personalized Medicine and Illumina Laboratory Services, Illumina).